The following is an entry in ClinVar:

ClinVar aggregate classification (germline): Likely benign (0 of 4 stars; one submission).

Conditions:
PTPRF-related disorder. Also called: PTPRF-related condition.

gnomAD v4.1: 1 of 1,614,086 alleles (0.000062%); highest among the groups gnomAD compares: African/African-American, 0.0013%; no homozygotes.

Submission:

PreventionGenetics, part of Exact Sciences
Classification: Likely benign for PTPRF-related condition. Last evaluated: 2019-03-21. Review status: no assertion criteria provided. Collection method: clinical testing. Allele origin: germline.
Comment: This variant is classified as likely benign based on ACMG/AMP sequence variant interpretation guidelines (Richards et al. 2015 PMID: 25741868, with internal and published modifications).

NM_002840.5(PTPRF):c.111A>G (p.Lys37=)

Gene: PTPRF (protein tyrosine phosphatase receptor type F; plus strand). Cytogenetic location: 1p34.2.
Variant type: single nucleotide variant.
Coding change: c.111A>G on transcript NM_002840.5 (MANE Select); coding-DNA position 111, A replaced by G.
Protein change: p.Lys37=; no amino-acid change (lysine 37 retained).
Molecular consequence: synonymous variant.
Genome position (GRCh38, 1-based): chr1:43,553,511, A>G. VCF-style: chr1-43553511-A-G. GRCh37 (hg19) VCF-style: chr1-44019182-A-G.
Other names: c.111A>G, p.Lys37= (NM_001329137.2, NM_001329138.2, NM_001329139.2 and 2 more transcripts).
Identifiers: ClinVar variation 3057283 (VCV003057283.2), dbSNP rs199980050, ClinGen allele CA21660428.